The following is an entry in ClinVar:

ClinVar aggregate classification (germline): Uncertain significance (1 of 4 stars; one submission).

Conditions:
T-cell immunodeficiency, congenital alopecia, and nail dystrophy. Also called: Congenital alopecia and nail dystrophy associated with severe functional T-cell immunodeficiency; Pignata Guarino syndrome. Identifiers: Orphanet 169095, MedGen C1866426, MONDO:0011132, OMIM 601705.

Submission:

Labcorp Genetics (formerly Invitae), Labcorp
Classification: Uncertain significance for T-cell immunodeficiency, congenital alopecia, and nail dystrophy. Last evaluated: 2025-10-05. Review status: criteria provided, single submitter. Criteria: Invitae Variant Classification Sherloc (09022015). Collection method: clinical testing. Allele origin: germline.
Comment: This sequence change replaces serine, which is neutral and polar, with asparagine, which is neutral and polar, at codon 261 of the FOXN1 protein (p.Ser261Asn). This variant is not present in population databases (gnomAD no frequency). This variant has not been reported in the literature in individuals affected with FOXN1-related conditions. Invitae Evidence Modeling of protein sequence and biophysical properties (such as structural, functional, and spatial information, amino acid conservation, physicochemical variation, residue mobility, and thermodynamic stability) indicates that this missense variant is not expected to disrupt FOXN1 protein function with a negative predictive value of 80%. In summary, the available evidence is currently insufficient to determine the role of this variant in disease. Therefore, it has been classified as a Variant of Uncertain Significance.

NM_001369369.1(FOXN1):c.782G>A (p.Ser261Asn)

Gene: FOXN1 (forkhead box N1; plus strand). Cytogenetic location: 17q11.2.
Variant type: single nucleotide variant.
Coding change: c.782G>A on transcript NM_001369369.1 (MANE Select); coding-DNA position 782, G replaced by A.
Protein change: p.Ser261Asn; replaces serine 261 with asparagine.
Molecular consequence: missense variant.
Genome position (GRCh38, 1-based): chr17:28,529,176, G>A. VCF-style: chr17-28529176-G-A. GRCh37 (hg19) VCF-style: chr17-26856194-G-A.
Other names: c.782G>A, p.Ser261Asn (NM_003593.3); short protein forms S261N.
Identifiers: ClinVar variation 4770691 (VCV004770691.1).
Genomic context (GRCh38, chr17:28,529,176, plus strand): 5'-ACCCCATACCCTACCTGGGCTCCTCACACTATCAGTACCAGCGAATGGCACCCCAGGCCA[G>A]CACCGATGGGCACCAGCCTCTCTTCCCAAAACCCATCTATTCCTACAGGTACATTTCCCA-3'
Protein context (NP_001356298.1, residues 251-271): YQYQRMAPQA[Ser261Asn]TDGHQPLFPK